The following is an entry in ClinVar:

NM_000059.4(BRCA2):c.4277C>G (p.Thr1426Arg)

Gene: BRCA2 (BRCA2 DNA repair associated; plus strand). Cytogenetic location: 13q13.1.
Variant type: single nucleotide variant.
Coding change: c.4277C>G on transcript NM_000059.4 (MANE Select); coding-DNA position 4277, C replaced by G.
Protein change: p.Thr1426Arg; replaces threonine 1426 with arginine.
Molecular consequence: missense variant.
Genome position (GRCh38, 1-based): chr13:32,338,632, C>G. VCF-style: chr13-32338632-C-G. GRCh37 (hg19) VCF-style: chr13-32912769-C-G.
Other names: short protein forms T1426R.
Identifiers: ClinVar variation 1347470 (VCV001347470.9), dbSNP rs748591104, ClinGen allele CA387780591.
Genomic context (GRCh38, chr13:32,338,632, plus strand): 5'-AAGAACAGTTAACTGCTACTAAAACGGAGCAAAATATAAAAGATTTTGAGACTTCTGATA[C>G]ATTTTTTCAGACTGCAAGTGGGAAAAATATTAGTGTCGCCAAAGAGTCATTTAATAAAAT-3'
Protein context (NP_000050.3, residues 1416-1436): QNIKDFETSD[Thr1426Arg]FFQTASGKNI

ClinVar aggregate classification (germline): Conflicting classifications of pathogenicity. Review status: criteria provided, conflicting classifications (1 of 4 stars). 2 submissions from 2 submitters: Uncertain significance (1); Likely benign (1). Last evaluated 2023-03-23.

Conditions:
Hereditary cancer-predisposing syndrome. Also called: Hereditary neoplastic syndrome; Tumor predisposition; Neoplastic Syndromes, Hereditary; Hereditary Cancer Syndrome. Identifiers: Orphanet 140162, MedGen C0027672, MeSH D009386, MONDO:0015356.
Hereditary breast ovarian cancer syndrome. Also called: Hereditary breast and ovarian cancer; Hereditary breast and/or ovarian cancer syndrome; Breast and ovarian cancer; BRCA1- and BRCA2-Associated Hereditary Breast and Ovarian Cancer; Hereditary breast and ovarian cancer syndrome; Hereditary breast and ovarian cancer syndrome (HBOC). Identifiers: Orphanet 145, MedGen C0677776, MeSH D061325, MONDO:0003582. Disease mechanism: loss of function.

gnomAD v4.1: 1 of 1,598,674 alleles (0.000063%); highest among the groups gnomAD compares: Non-Finnish European, 0.000085%; no homozygotes.

Submissions (2):

University of Washington Department of Laboratory Medicine, University of Washington
Classification: Likely benign for Hereditary cancer-predisposing syndrome. Last evaluated: 2023-03-23. Review status: criteria provided, single submitter. Criteria: Dines et al. (Genet Med. 2020). Collection method: curation. Allele origin: germline.
Comment: Missense variant in a coldspot region where missense variants are very unlikely to be pathogenic (PMID:31911673).

BRCA2 exon 11 coldspot. Reclassification based on statistical prior probability.

Labcorp Genetics (formerly Invitae), Labcorp
Classification: Uncertain significance for Hereditary breast ovarian cancer syndrome. Last evaluated: 2020-11-14. Review status: criteria provided, single submitter. Criteria: Invitae Variant Classification Sherloc (09022015). Collection method: clinical testing. Allele origin: germline.
Comment: This sequence change replaces threonine with arginine at codon 1426 of the BRCA2 protein (p.Thr1426Arg). The threonine residue is weakly conserved and there is a moderate physicochemical difference between threonine and arginine. This variant is not present in population databases (ExAC no frequency). This variant has not been reported in the literature in individuals with BRCA2-related conditions. Advanced modeling of protein sequence and biophysical properties (such as structural, functional, and spatial information, amino acid conservation, physicochemical variation, residue mobility, and thermodynamic stability) performed at Invitae indicates that this missense variant is not expected to disrupt BRCA2 protein function. Algorithms developed to predict the effect of sequence changes on RNA splicing suggest that this variant may create or strengthen a splice site, but this prediction has not been confirmed by published transcriptional studies. In summary, the available evidence is currently insufficient to determine the role of this variant in disease. Therefore, it has been classified as a Variant of Uncertain Significance.